The following is an entry in ClinVar:

ClinVar aggregate classification (germline): Uncertain significance. Review status: criteria provided, multiple submitters, no conflicts (2 of 4 stars). 3 submissions from 3 submitters: Uncertain significance (3). Last evaluated 2026-01-01.

Conditions:
Inborn genetic diseases. Identifiers: MedGen C0950123, MeSH D030342.
Amelocerebrohypohidrotic syndrome (KTZS). Also called: Kohlschutter's syndrome; EPILEPSY AND YELLOW TEETH; EPILEPSY, DEMENTIA, AND AMELOGENESIS IMPERFECTA; KOHLSCHUTTER SYNDROME. Identifiers: Orphanet 1946, MedGen C0406740, MONDO:0009185, OMIM 226750.

Allele frequency attached by ClinVar (database versions not stated): gnomAD 0.00003; TOPMed 0.00004; ExAC 0.00005.
gnomAD v4.1: 51 of 1,605,382 alleles (0.0032%); highest among the groups gnomAD compares: Non-Finnish European, 0.00077%; no homozygotes.

Submissions (3):

CeGaT Center for Human Genetics Tuebingen
Classification: Uncertain significance. Last evaluated: 2026-01-01. Review status: criteria provided, single submitter. Criteria: CeGaT Center For Human Genetics Tuebingen Variant Classification Criteria Version 2. Collection method: clinical testing. Allele origin: germline. Affected: yes. Observed: 1 variant allele.
Comment: ROGDI: PM2, BP1

Ambry Genetics
Classification: Uncertain significance for Inborn genetic diseases. Last evaluated: 2025-08-27. Review status: criteria provided, single submitter. Criteria: Ambry Variant Classification Scheme 2023. Collection method: clinical testing. Allele origin: germline.

Labcorp Genetics (formerly Invitae), Labcorp
Classification: Uncertain significance for Amelocerebrohypohidrotic syndrome. Last evaluated: 2022-07-25. Review status: criteria provided, single submitter. Criteria: Invitae Variant Classification Sherloc (09022015). Collection method: clinical testing. Allele origin: germline.
Comment: This sequence change replaces histidine, which is basic and polar, with arginine, which is basic and polar, at codon 226 of the ROGDI protein (p.His226Arg). In summary, the available evidence is currently insufficient to determine the role of this variant in disease. Therefore, it has been classified as a Variant of Uncertain Significance. Algorithms developed to predict the effect of missense changes on protein structure and function are either unavailable or do not agree on the potential impact of this missense change (SIFT: "Tolerated"; PolyPhen-2: "Probably Damaging"; Align-GVGD: "Class C0"). This variant has not been reported in the literature in individuals affected with ROGDI-related conditions. This variant is present in population databases (rs767037070, gnomAD 0.1%).

NM_024589.3(ROGDI):c.677A>G (p.His226Arg)

Gene: ROGDI (rogdi atypical leucine zipper; minus strand). Cytogenetic location: 16p13.3.
Variant type: single nucleotide variant.
Coding change: c.677A>G on transcript NM_024589.3 (MANE Select); coding-DNA position 677, A replaced by G.
Protein change: p.His226Arg; replaces histidine 226 with arginine.
Molecular consequence: missense variant. On other transcripts: non-coding transcript variant (1).
Genome position (GRCh38, 1-based): chr16:4,797,956, T>C on the plus strand (A>G on the coding strand, the complement: ROGDI is on the minus strand). VCF-style: chr16-4797956-T-C. GRCh37 (hg19) VCF-style: chr16-4847957-T-C.
Other names: c.677A>G (NM_024589.1); short protein forms H226R.
Identifiers: ClinVar variation 2187530 (VCV002187530.8), dbSNP rs767037070, ClinGen allele CA7882554.
Genomic context (GRCh38, chr16:4,797,956, plus strand): 5'-ATGGGGTGGGCGTGCCTGGACCCCCCGCCCCTGCCTACTTACAACATGGCCCCAGGGCTA[T>C]GCAGCACCGCGCCCCCAGCTGGGCGGAAGTTCTAGGGAGAACAGCACCAGACCCGTCAGG-3'
Protein context (NP_078865.1, residues 216-236): NFRPAGGAVL[His226Arg]SPGAMFEWGS